The following is an entry in ClinVar:

NM_001110556.2(FLNA):c.4945+9G>T

Gene: FLNA (filamin A; minus strand). Cytogenetic location: Xq28.
Variant type: single nucleotide variant.
Coding change: c.4945+9G>T on transcript NM_001110556.2 (MANE Select); 9 bases into the intron after coding-DNA position 4945, G replaced by T.
Molecular consequence: intron variant.
Genome position (GRCh38, 1-based): chrX:154,357,425, C>A on the plus strand (G>T on the coding strand, the complement: FLNA is on the minus strand). VCF-style: chrX-154357425-C-A. GRCh37 (hg19) VCF-style: chrX-153585793-C-A.
Other names: c.4945+9G>T (NM_001456.4).
Identifiers: ClinVar variation 4882318 (VCV004882318.2).

ClinVar aggregate classification (germline): Uncertain significance (1 of 4 stars; one submission).

Submission:

Dasa
Classification: Uncertain significance. Last evaluated: 2024-11-08. Review status: criteria provided, single submitter. Criteria: DASA Assertion Criteria. Collection method: clinical testing. Allele origin: germline.
Comment: NM_001110556.2(FLNA):c.4945+9G>T is a splice-region variant. This variant is rare in population databases. Computational prediction algorithms are consistent with a benign effect. The currently available literature and clinical evidence are not sufficient to establish a definitive association between this variant and the reported condition. Therefore, this variant is classified as a variant of uncertain significance.